The following is an entry in ClinVar:

ClinVar aggregate classification (germline): Uncertain significance (1 of 4 stars; one submission).

Conditions:
Dilated cardiomyopathy 1J (CMD1J). Also called: CARDIOMYOPATHY, DILATED, WITH SENSORINEURAL HEARING LOSS, AUTOSOMAL DOMINANT. Identifiers: Orphanet 217622, MedGen C1854368, MONDO:0011541, OMIM 605362.

Submission:

Labcorp Genetics (formerly Invitae), Labcorp
Classification: Uncertain significance for Dilated cardiomyopathy 1J. Last evaluated: 2025-06-07. Review status: criteria provided, single submitter. Criteria: Invitae Variant Classification Sherloc (09022015). Collection method: clinical testing. Allele origin: germline.
Comment: This sequence change replaces serine, which is neutral and polar, with threonine, which is neutral and polar, at codon 29 of the EYA4 protein (p.Ser29Thr). This variant is not present in population databases (gnomAD no frequency). This variant has not been reported in the literature in individuals affected with EYA4-related conditions. An algorithm developed to predict the effect of missense changes on protein structure and function (PolyPhen-2) suggests that this variant is likely to be tolerated. In summary, the available evidence is currently insufficient to determine the role of this variant in disease. Therefore, it has been classified as a Variant of Uncertain Significance.

NM_004100.5(EYA4):c.85T>A (p.Ser29Thr)

Gene: EYA4 (EYA transcriptional coactivator and phosphatase 4; plus strand). Cytogenetic location: 6q23.2.
Variant type: single nucleotide variant.
Coding change: c.85T>A on transcript NM_004100.5 (MANE Select); coding-DNA position 85, T replaced by A.
Protein change: p.Ser29Thr; replaces serine 29 with threonine.
Molecular consequence: missense variant.
Genome position (GRCh38, 1-based): chr6:133,446,631, T>A. VCF-style: chr6-133446631-T-A. GRCh37 (hg19) VCF-style: chr6-133767769-T-A.
Other names: c.85T>A, p.Ser29Thr (NM_001301012.2, NM_001301013.2, NM_001370458.1 and 3 more transcripts); short protein forms S29T.
Identifiers: ClinVar variation 4720924 (VCV004720924.1).